The following is an entry in ClinVar:

NM_001018113.3(FANCB):c.868A>C (p.Met290Leu)

Gene: FANCB (FA complementation group B; minus strand). Cytogenetic location: Xp22.2.
Variant type: single nucleotide variant.
Coding change: c.868A>C on transcript NM_001018113.3 (MANE Select); coding-DNA position 868, A replaced by C.
Protein change: p.Met290Leu; replaces methionine 290 with leucine.
Molecular consequence: missense variant.
Genome position (GRCh38, 1-based): chrX:14,864,643, T>G on the plus strand (A>C on the coding strand, the complement: FANCB is on the minus strand). VCF-style: chrX-14864643-T-G. GRCh37 (hg19) VCF-style: chrX-14882765-T-G.
Other names: c.868A>C, p.Met290Leu (NM_001324162.2, NM_001410764.1, NM_152633.4); short protein forms M290L.
Identifiers: ClinVar variation 4763103 (VCV004763103.1).

ClinVar aggregate classification (germline): Uncertain significance (1 of 4 stars; one submission).

Conditions:
Fanconi anemia (FA). Also called: Fanconi's anemia. Identifiers: Orphanet 84, MedGen C0015625, MeSH D005199, MONDO:0019391.

Submission:

Labcorp Genetics (formerly Invitae), Labcorp
Classification: Uncertain significance for Fanconi anemia. Last evaluated: 2025-06-22. Review status: criteria provided, single submitter. Criteria: Invitae Variant Classification Sherloc (09022015). Collection method: clinical testing. Allele origin: germline.
Comment: This sequence change replaces methionine, which is neutral and non-polar, with leucine, which is neutral and non-polar, at codon 290 of the FANCB protein (p.Met290Leu). This variant is not present in population databases (gnomAD no frequency). This variant has not been reported in the literature in individuals affected with FANCB-related conditions. Invitae Evidence Modeling of protein sequence and biophysical properties (such as structural, functional, and spatial information, amino acid conservation, physicochemical variation, residue mobility, and thermodynamic stability) indicates that this missense variant is not expected to disrupt FANCB protein function with a negative predictive value of 80%. In summary, the available evidence is currently insufficient to determine the role of this variant in disease. Therefore, it has been classified as a Variant of Uncertain Significance.